The following is an entry in ClinVar:

NM_002907.4(RECQL):c.780C>G (p.His260Gln)

Gene: RECQL (RecQ like helicase; minus strand). Cytogenetic location: 12p12.1.
Variant type: single nucleotide variant.
Coding change: c.780C>G on transcript NM_002907.4 (MANE Select); coding-DNA position 780, C replaced by G.
Protein change: p.His260Gln; replaces histidine 260 with glutamine.
Molecular consequence: missense variant.
Genome position (GRCh38, 1-based): chr12:21,477,890, G>C on the plus strand (C>G on the coding strand, the complement: RECQL is on the minus strand). VCF-style: chr12-21477890-G-C. GRCh37 (hg19) VCF-style: chr12-21630824-G-C.
Other names: c.780C>G, p.His260Gln (NM_032941.3); short protein forms H260Q.
Identifiers: ClinVar variation 3313520 (VCV003313520.2).
Genomic context (GRCh38, chr12:21,477,890, plus strand): 5'-AGAAGCTGTAAAAGTAAAACACTTTTCAATGCACAAAATTTTCTGAGCATCCGTCAAAAC[G>C]TGATTTGTTGCAGTTGCAGTCAGCCCAATTAGTGATGCGTTAGGGAACTGCCGCTTTAAG-3'
Protein context (NP_002898.2, residues 250-270): LIGLTATATN[His260Gln]VLTDAQKILC

ClinVar aggregate classification (germline): Uncertain significance. Review status: criteria provided, multiple submitters, no conflicts (2 of 4 stars). 2 submissions from 2 submitters: Uncertain significance (2). Last evaluated 2025-05-11.

gnomAD v4.1: 1 of 1,613,808 alleles (0.000062%); highest among the groups gnomAD compares: Admixed American, 0.0017%; no homozygotes.

Submissions (2):

Labcorp Genetics (formerly Invitae), Labcorp
Classification: Uncertain significance. Last evaluated: 2025-05-11. Review status: criteria provided, single submitter. Criteria: Invitae Variant Classification Sherloc (09022015). Collection method: clinical testing. Allele origin: germline.
Comment: This sequence change replaces histidine, which is basic and polar, with glutamine, which is neutral and polar, at codon 260 of the RECQL protein (p.His260Gln). This variant is not present in population databases (gnomAD no frequency). This variant has not been reported in the literature in individuals affected with RECQL-related conditions. ClinVar contains an entry for this variant (Variation ID: 3313520). Invitae Evidence Modeling of protein sequence and biophysical properties (such as structural, functional, and spatial information, amino acid conservation, physicochemical variation, residue mobility, and thermodynamic stability) indicates that this missense variant is not expected to disrupt RECQL protein function with a negative predictive value of 80%. In summary, the available evidence is currently insufficient to determine the role of this variant in disease. Therefore, it has been classified as a Variant of Uncertain Significance.

Ambry Genetics
Classification: Uncertain significance. Last evaluated: 2024-05-16. Review status: criteria provided, single submitter. Criteria: Ambry Variant Classification Scheme 2023. Collection method: clinical testing. Allele origin: germline.
Comment: The p.H260Q variant (also known as c.780C>G), located in coding exon 6 of the RECQL gene, results from a C to G substitution at nucleotide position 780. The histidine at codon 260 is replaced by glutamine, an amino acid with highly similar properties. This amino acid position is conserved. In addition, this alteration is predicted to be tolerated by in silico analysis. Based on the available evidence, the clinical significance of this variant remains unclear.